The following is an entry in ClinVar:

NM_024592.5(SRD5A3):c.203C>A (p.Ala68Asp)

Gene: SRD5A3 (steroid 5 alpha-reductase 3; plus strand). Cytogenetic location: 4q12.
Variant type: single nucleotide variant.
Coding change: c.203C>A on transcript NM_024592.5 (MANE Select); coding-DNA position 203, C replaced by A.
Protein change: p.Ala68Asp; replaces alanine 68 with aspartic acid.
Molecular consequence: missense variant.
Genome position (GRCh38, 1-based): chr4:55,346,539, C>A. VCF-style: chr4-55346539-C-A. GRCh37 (hg19) VCF-style: chr4-56212706-C-A.
Other names: c.203C>A, p.Ala68Asp (NM_001410732.1); short protein forms A68D.
Identifiers: ClinVar variation 2088346 (VCV002088346.4), dbSNP rs1226732112, ClinGen allele CA356956890.

ClinVar aggregate classification (germline): Uncertain significance (1 of 4 stars; one submission).

Conditions:
SRD5A3-congenital disorder of glycosylation. Also called: Ocular colobomas, ichthyosis, brain malformations and endocrine abnormalities; Congenital disorder of glycosylation type 1Q; SRD5A3-CDG; COLOBOMA, OCULAR, WITH ICHTHYOSIS, BRAIN MALFORMATIONS, AND ENDOCRINE ABNORMALITIES; CDG Iq. Identifiers: Orphanet 324737, MedGen C4317224, MONDO:0012885, OMIM 612379.

Allele frequency attached by ClinVar (database versions not stated): TOPMed below 0.00001; gnomAD 0.00001.

Submission:

Labcorp Genetics (formerly Invitae), Labcorp
Classification: Uncertain significance for SRD5A3-congenital disorder of glycosylation. Last evaluated: 2022-09-07. Review status: criteria provided, single submitter. Criteria: Invitae Variant Classification Sherloc (09022015). Collection method: clinical testing. Allele origin: germline.
Comment: In summary, the available evidence is currently insufficient to determine the role of this variant in disease. Therefore, it has been classified as a Variant of Uncertain Significance. This sequence change replaces alanine, which is neutral and non-polar, with aspartic acid, which is acidic and polar, at codon 68 of the SRD5A3 protein (p.Ala68Asp). This variant is not present in population databases (gnomAD no frequency). This variant has not been reported in the literature in individuals affected with SRD5A3-related conditions. Algorithms developed to predict the effect of missense changes on protein structure and function (SIFT, PolyPhen-2, Align-GVGD) all suggest that this variant is likely to be tolerated.